The following is an entry in ClinVar:

NM_152743.4(BRAT1):c.439G>A (p.Asp147Asn)

Gene: BRAT1 (BRCA1 associated ATM activator 1; minus strand). Cytogenetic location: 7p22.3.
Variant type: single nucleotide variant.
Coding change: c.439G>A on transcript NM_152743.4 (MANE Select); coding-DNA position 439, G replaced by A.
Protein change: p.Asp147Asn; replaces aspartic acid 147 with asparagine.
Molecular consequence: missense variant. On other transcripts: 5 prime UTR variant (1), non-coding transcript variant (1).
Genome position (GRCh38, 1-based): chr7:2,543,954, C>T on the plus strand (G>A on the coding strand, the complement: BRAT1 is on the minus strand). VCF-style: chr7-2543954-C-T. GRCh37 (hg19) VCF-style: chr7-2583588-C-T.
Other names: c.439G>A, p.Asp147Asn (NM_001350626.2); c.-87G>A (NM_001350627.2); short protein forms D147N.
Identifiers: ClinVar variation 2688676 (VCV002688676.10), dbSNP rs1008248711, ClinGen allele CA152672135.

ClinVar aggregate classification (germline): Uncertain significance. Review status: criteria provided, multiple submitters, no conflicts (2 of 4 stars). 2 submissions from 2 submitters: Uncertain significance (2). Last evaluated 2025-07-01.

Allele frequency attached by ClinVar (database versions not stated): gnomAD exomes 0.00001; TOPMed 0.00001; gnomAD 0.00002.
gnomAD v4.1: 14 of 1,567,994 alleles (0.00089%); highest among the groups gnomAD compares: Middle Eastern, 0.017%; no homozygotes.

Submissions (2):

CeGaT Center for Human Genetics Tuebingen
Classification: Uncertain significance. Last evaluated: 2025-07-01. Review status: criteria provided, single submitter. Criteria: CeGaT Center For Human Genetics Tuebingen Variant Classification Criteria Version 2. Collection method: clinical testing. Allele origin: germline. Affected: yes. Observed: 1 variant allele.
Comment: BRAT1: PM2

Revvity Omics, Revvity
Classification: Uncertain significance. Last evaluated: 2023-11-21. Review status: criteria provided, single submitter. Criteria: ACMG Guidelines, 2015. Collection method: clinical testing. Allele origin: germline.